The following is an entry in ClinVar:

ClinVar aggregate classification (germline): Pathogenic. Review status: criteria provided, multiple submitters, no conflicts (2 of 4 stars). 2 submissions from 2 submitters: Pathogenic (2). Last evaluated 2025-05-24.

Conditions:
Jeune thoracic dystrophy. Also called: Jeune syndrome; Infantile thoracic dystrophy; Thoracic pelvic phalangeal dystrophy; Jeune's syndrome; Chondroectodermal dysplasia-like syndrome; Short-rib thoracic dysplasia. Identifiers: Orphanet 474, MedGen C0265275, MONDO:0018770.
Asphyxiating thoracic dystrophy 3. Also called: SHORT-RIB THORACIC DYSPLASIA 3 WITH OR WITHOUT POLYDACTYLY; POLYDACTYLY WITH NEONATAL CHONDRODYSTROPHY, TYPE I; SHORT-RIB THORACIC DYSPLASIA 3/6 WITH POLYDACTYLY, DIGENIC; Short rib polydactyly syndrome 2B; Saldino-Noonan Syndrome. Identifiers: Orphanet 474, Orphanet 93269, Orphanet 93270, Orphanet 93271, MedGen C0036069, MONDO:0013127, OMIM 613091.

Submissions (2):

Myriad Genetics, Inc.
Classification: Pathogenic for Asphyxiating thoracic dystrophy 3. Last evaluated: 2025-05-24. Review status: criteria provided, single submitter. Criteria: Myriad Autosomal Dominant, Autosomal Recessive and X-Linked Classification Criteria (2023). Collection method: clinical testing. Allele origin: unknown.
Comment: NM_001377.2(DYNC2H1):c.10690_10693delTTTA(F3564Rfs*5) is expected to be pathogenic in the context of DYNC2H1-related disorders. This variant is predicted to lead to an abnormal or absent protein product due to the creation of a premature termination codon in DYNC2H1, a gene where loss-of-function variants are known to be pathogenic. Please note: this variant was assessed in the context of healthy population screening.

Labcorp Genetics (formerly Invitae), Labcorp
Classification: Pathogenic for Jeune thoracic dystrophy. Last evaluated: 2023-08-24. Review status: criteria provided, single submitter. Criteria: Invitae Variant Classification Sherloc (09022015). Collection method: clinical testing. Allele origin: germline.
Comment: This sequence change creates a premature translational stop signal (p.Phe3571Argfs*5) in the DYNC2H1 gene. It is expected to result in an absent or disrupted protein product. Loss-of-function variants in DYNC2H1 are known to be pathogenic (PMID: 23339108, 32753734, 33755199). This variant is not present in population databases (gnomAD no frequency). This premature translational stop signal has been observed in individual(s) with short-rib polydactyly syndrome (PMID: 27323140, 33846808). For these reasons, this variant has been classified as Pathogenic.

Literature cited by the submitters: PubMed 23339108 (cited by Labcorp Genetics (formerly Invitae), Labcorp); PubMed 32753734 (cited by Labcorp Genetics (formerly Invitae), Labcorp); PubMed 33755199 (cited by Labcorp Genetics (formerly Invitae), Labcorp); PubMed 27323140 (cited by Labcorp Genetics (formerly Invitae), Labcorp); PubMed 33846808 (cited by Labcorp Genetics (formerly Invitae), Labcorp).

NM_001377.3(DYNC2H1):c.10690_10693del (p.Phe3564fs)

Gene: DYNC2H1 (dynein cytoplasmic 2 heavy chain 1; plus strand). Cytogenetic location: 11q22.3.
Variant type: Deletion.
Coding change: c.10690_10693del on transcript NM_001377.3 (MANE Select); coding-DNA positions 10690 to 10693, 4 bases deleted (TTTA; older notation c.10690_10693delTTTA).
Protein change: p.Phe3564fs; shifts the reading frame from phenylalanine 3564.
Molecular consequence: frameshift variant.
Genome position (GRCh38, 1-based): chr11:103,259,972-103,259,975, TTTA deleted; deleting any 4 consecutive bases within chr11:103,259,970-103,259,975 gives the same sequence; the c. name uses the placement nearest the transcript's 3' end. VCF-style (leftmost placement, unchanged base first): chr11-103259969-CTATT-C. GRCh37 (hg19) VCF-style: chr11-103130698-CTATT-C.
Other names: c.10711_10714del, p.Phe3571fs (NM_001080463.2); short protein forms F3564fs, F3571fs.
Identifiers: ClinVar variation 2885879 (VCV002885879.4), dbSNP rs2496663439, ClinGen allele CA2615751630.